The following is an entry in ClinVar:

ClinVar aggregate classification (germline): Uncertain significance (1 of 4 stars; one submission).

Submission:

Labcorp Genetics (formerly Invitae), Labcorp
Classification: Uncertain significance. Last evaluated: 2024-03-27. Review status: criteria provided, single submitter. Criteria: Invitae Variant Classification Sherloc (09022015). Collection method: clinical testing. Allele origin: germline.
Comment: This sequence change replaces proline, which is neutral and non-polar, with serine, which is neutral and polar, at codon 453 of the ZCCHC8 protein (p.Pro453Ser). This variant is not present in population databases (gnomAD no frequency). This variant has not been reported in the literature in individuals affected with ZCCHC8-related conditions. Advanced modeling of protein sequence and biophysical properties (such as structural, functional, and spatial information, amino acid conservation, physicochemical variation, residue mobility, and thermodynamic stability) performed at Invitae indicates that this missense variant is not expected to disrupt ZCCHC8 protein function with a negative predictive value of 80%. In summary, the available evidence is currently insufficient to determine the role of this variant in disease. Therefore, it has been classified as a Variant of Uncertain Significance.

NM_017612.5(ZCCHC8):c.1357C>T (p.Pro453Ser)

Gene: ZCCHC8 (zinc finger CCHC-type containing 8; minus strand). Cytogenetic location: 12q24.31.
Variant type: single nucleotide variant.
Coding change: c.1357C>T on transcript NM_017612.5 (MANE Select); coding-DNA position 1357, C replaced by T.
Protein change: p.Pro453Ser; replaces proline 453 with serine.
Molecular consequence: missense variant.
Genome position (GRCh38, 1-based): chr12:122,474,264, G>A on the plus strand (C>T on the coding strand, the complement: ZCCHC8 is on the minus strand). VCF-style: chr12-122474264-G-A. GRCh37 (hg19) VCF-style: chr12-122958811-G-A.
Other names: c.1126C>T, p.Pro376Ser (NM_001350935.2); c.1060C>T, p.Pro354Ser (NM_001350936.2); c.643C>T, p.Pro215Ser (NM_001350937.2, NM_001350938.2); short protein forms P376S, P354S, P215S, P453S.
Identifiers: ClinVar variation 3674805 (VCV003674805.2).
Genomic context (GRCh38, chr12:122,474,264, plus strand): 5'-GAGTGTCAGGAGGTAATGGTGGTTGAAACTGAAAACTTTCGCTGCTCTGAGAACCATGTG[G>A]TACCTCCATATCTGAAGTAAGAAAGTTAAGAGATACTTTAGAACTTATAATAGCATTTGG-3'
Protein context (NP_060082.2, residues 443-463): DMELDSDMEV[Pro453Ser]HGSQSSESFQ